The following is an entry in ClinVar:

ClinVar aggregate classification (germline): Likely benign. Review status: criteria provided, multiple submitters, no conflicts (2 of 4 stars). 4 submissions from 4 submitters: Likely benign (4). Last evaluated 2025-11-16.

Conditions:
Hereditary breast ovarian cancer syndrome. Also called: Breast and ovarian cancer; Hereditary breast and ovarian cancer; Hereditary breast and ovarian cancer syndrome; Hereditary breast and/or ovarian cancer syndrome; BRCA1- and BRCA2-Associated Hereditary Breast and Ovarian Cancer; Hereditary breast and ovarian cancer syndrome (HBOC). Identifiers: Orphanet 145, MedGen C0677776, MeSH D061325, MONDO:0003582. Disease mechanism: loss of function.
Hereditary cancer-predisposing syndrome. Also called: Tumor predisposition; Hereditary Cancer Syndrome; Neoplastic Syndromes, Hereditary; Hereditary neoplastic syndrome. Identifiers: Orphanet 140162, MedGen C0027672, MeSH D009386, MONDO:0015356.

Allele frequency attached by ClinVar (database versions not stated): gnomAD exomes below 0.00001 and 0.00001; gnomAD 0.00001; TOPMed 0.00001.
gnomAD v4.1: 7 of 1,611,398 alleles (0.00043%); highest among the groups gnomAD compares: Non-Finnish European, 0.00059%; no homozygotes.

Submissions (5):

Labcorp Genetics (formerly Invitae), Labcorp
Classification: Likely benign for Hereditary breast ovarian cancer syndrome. Last evaluated: 2025-11-16. Review status: criteria provided, single submitter. Criteria: Invitae Variant Classification Sherloc (09022015). Collection method: clinical testing. Allele origin: germline.

Women's Health and Genetics/Laboratory Corporation of America, LabCorp
Classification: Likely benign. Last evaluated: 2024-01-22. Review status: criteria provided, single submitter. Criteria: LabCorp Variant Classification Summary - May 2015. Collection method: clinical testing. Allele origin: germline.
Comment: Variant summary: BRCA1 c.134+15G>A alters a non-conserved nucleotide located at a position not widely known to affect splicing. Consensus agreement among computation tools predict no significant impact on normal splicing. However, these predictions have yet to be confirmed by functional studies. The variant allele was found at a frequency of 8e-06 in 249290 control chromosomes. The available data on variant occurrences in the general population are insufficient to allow any conclusion about variant significance. To our knowledge, no occurrence of c.134+15G>A in individuals affected with Hereditary Breast And Ovarian Cancer Syndrome has been reported. At least one publication reports experimental evidence evaluating an impact on protein function and suggests that the variant is functional in an in vitro HDR-based assay (Findlay_2018). The following publication has been ascertained in the context of this evaluation (PMID: 30209399). ClinVar contains an entry for this variant (Variation ID: 215868). Based on the evidence outlined above, the variant was classified as likely benign.

Blueprint Genetics
Classification: Likely benign. Last evaluated: 2023-06-27. Review status: criteria provided, single submitter. Criteria: ACMG Guidelines, 2015. Collection method: clinical testing. Allele origin: germline.

Color Diagnostics, LLC DBA Color Health
Classification: Likely benign for Hereditary cancer-predisposing syndrome. Last evaluated: 2017-06-12. Review status: criteria provided, single submitter. Criteria: ACMG Guidelines, 2015. Collection method: clinical testing. Allele origin: germline.

Brotman Baty Institute, University of Washington
No classification provided (evidence only). Condition: Breast-ovarian cancer, familial 1. Review status: no classification provided. Collection method: in vitro. Allele origin: not applicable. Functional consequence: functionally_normal. Not counted in ClinVar's aggregate classification.
ClinVar note: "not provided" was previously submitted as the classification for the variant. However, the classification appeared to be based only on an observation of functional data so it was converted to no classification on 2025-07-30.

Literature cited by the submitters: PubMed 30209399 (cited by Women's Health and Genetics/Laboratory Corporation of America, LabCorp).

NM_007294.4(BRCA1):c.134+15G>A

Gene: BRCA1 (BRCA1 DNA repair associated; minus strand). Cytogenetic location: 17q21.31.
Variant type: single nucleotide variant.
Coding change: c.134+15G>A on transcript NM_007294.4 (MANE Select); 15 bases into the intron after coding-DNA position 134, G replaced by A.
Molecular consequence: intron variant.
Genome position (GRCh38, 1-based): chr17:43,115,711, C>T on the plus strand (G>A on the coding strand, the complement: BRCA1 is on the minus strand). VCF-style: chr17-43115711-C-T. GRCh37 (hg19) VCF-style: chr17-41267728-C-T.
Other names: c.-8+15G>A (NM_001407839.1, NM_001407745.1, NM_001407922.1 and 47 more transcripts); c.-124+15G>A (NM_001407746.1, NM_001408468.1, NM_001407842.1 and 13 more transcripts); c.-8+8306G>A (NM_001408461.1, NM_001407738.1, NM_001407932.1 and 23 more transcripts); c.-55+15G>A (NM_001407886.1, NM_001408509.1, NM_001408508.1 and 52 more transcripts); c.134+15G>A (NM_001407686.1, NM_001408397.1, NM_001407632.1 and 191 more transcripts); c.80+8306G>A (NM_001408451.1); c.-55+8306G>A (NM_001407898.1, NM_001407881.1, NM_001407902.1); c.-171+15G>A (NM_001408492.1, NM_001407889.1, NM_001407900.1); and 10 more.
Identifiers: ClinVar variation 215868 (VCV000215868.19), dbSNP rs863224417, ClinGen allele CA339556.
Genomic context (GRCh38, chr17:43,115,711, plus strand): 5'-AGTTAGGTGTTTCCTGGGTTATGAAGGACAAAAACAAAAGCTAATAATGGAGCCACATAA[C>T]ACATTCAAACTTACTTGCAAAATATGTGGTCACACTTTGTGGAGACAGGTTCCTTGATCA-3'